The following is an entry in ClinVar:

ClinVar aggregate classification (germline): Uncertain significance (1 of 4 stars; one submission).

Conditions:
Bethlem myopathy 1A. Also called: Bethlem myopathy 1; MYOPATHY, BENIGN CONGENITAL, WITH CONTRACTURES; Bethlem Muscular Dystrophy. Identifiers: Orphanet 610, MedGen CN029274, MONDO:0024530, OMIM 158810.

Submission:

Labcorp Genetics (formerly Invitae), Labcorp
Classification: Uncertain significance for Bethlem myopathy 1A. Last evaluated: 2024-01-13. Review status: criteria provided, single submitter. Criteria: Invitae Variant Classification Sherloc (09022015). Collection method: clinical testing. Allele origin: germline.
Comment: This sequence change replaces histidine, which is basic and polar, with glutamine, which is neutral and polar, at codon 767 of the COL6A2 protein (p.His767Gln). This variant is present in population databases (no rsID available, gnomAD 0.007%). This variant has not been reported in the literature in individuals affected with COL6A2-related conditions. Advanced modeling of protein sequence and biophysical properties (such as structural, functional, and spatial information, amino acid conservation, physicochemical variation, residue mobility, and thermodynamic stability) performed at Invitae indicates that this missense variant is not expected to disrupt COL6A2 protein function with a negative predictive value of 95%. In summary, the available evidence is currently insufficient to determine the role of this variant in disease. Therefore, it has been classified as a Variant of Uncertain Significance.

NM_001849.4(COL6A2):c.2301C>G (p.His767Gln)

Gene: COL6A2 (collagen type VI alpha 2 chain; plus strand). Cytogenetic location: 21q22.3.
Variant type: single nucleotide variant.
Coding change: c.2301C>G on transcript NM_001849.4 (MANE Select); coding-DNA position 2301, C replaced by G.
Protein change: p.His767Gln; replaces histidine 767 with glutamine.
Molecular consequence: missense variant.
Genome position (GRCh38, 1-based): chr21:46,126,116, C>G. VCF-style: chr21-46126116-C-G. GRCh37 (hg19) VCF-style: chr21-47546030-C-G.
Other names: c.2301C>G, p.His767Gln (NM_058174.3, NM_058175.3); short protein forms H767Q.
Identifiers: ClinVar variation 2803733 (VCV002803733.3), dbSNP rs138371054, ClinGen allele CA321972860.